The following is an entry in ClinVar:

NM_004006.3(DMD):c.3449A>G (p.Glu1150Gly)

Gene: DMD (dystrophin; minus strand). Cytogenetic location: Xp21.1.
Variant type: single nucleotide variant.
Coding change: c.3449A>G on transcript NM_004006.3 (MANE Select); coding-DNA position 3449, A replaced by G.
Protein change: p.Glu1150Gly; replaces glutamic acid 1150 with glycine.
Molecular consequence: missense variant.
Genome position (GRCh38, 1-based): chrX:32,454,816, T>C on the plus strand (A>G on the coding strand, the complement: DMD is on the minus strand). VCF-style: chrX-32454816-T-C. GRCh37 (hg19) VCF-style: chrX-32472933-T-C.
Other names: c.3425A>G, p.Glu1142Gly (NM_000109.4); c.3437A>G, p.Glu1146Gly (NM_004009.3); c.3080A>G, p.Glu1027Gly (NM_004010.3); short protein forms E1146G, E1027G, E1142G, E1150G.
Identifiers: ClinVar variation 2116790 (VCV002116790.4), dbSNP rs2524370256, ClinGen allele CA412663374.
Genomic context (GRCh38, chrX:32,454,816, plus strand): 5'-TGCATCTCTGATAGATCTTTCTGGAGGCTTACAGTTTTCTCCAAACCTCCCTTCAAGGCC[T>C]CCTTTCTGGCATAGACCTTCCACAAAACAAACAAACAAAACACGATTATTGACAGTGATG-3'
Protein context (NP_003997.2, residues 1140-1160): HMCQQVYARK[Glu1150Gly]ALKGGLEKTV

ClinVar aggregate classification (germline): Uncertain significance (1 of 4 stars; one submission).

Conditions:
Duchenne muscular dystrophy (DMD). Also called: MUSCULAR DYSTROPHY, PSEUDOHYPERTROPHIC PROGRESSIVE, DUCHENNE TYPE; Duchenne Muscular Dystrophy (DMD). Identifiers: Orphanet 98896, MedGen C0013264, MONDO:0010679, OMIM 310200.

Submission:

Labcorp Genetics (formerly Invitae), Labcorp
Classification: Uncertain significance for Duchenne muscular dystrophy. Last evaluated: 2022-03-25. Review status: criteria provided, single submitter. Criteria: Invitae Variant Classification Sherloc (09022015). Collection method: clinical testing. Allele origin: germline.
Comment: In summary, the available evidence is currently insufficient to determine the role of this variant in disease. Therefore, it has been classified as a Variant of Uncertain Significance. Algorithms developed to predict the effect of missense changes on protein structure and function are either unavailable or do not agree on the potential impact of this missense change (SIFT: "Tolerated"; PolyPhen-2: "Probably Damaging"; Align-GVGD: "Class C0"). This variant has not been reported in the literature in individuals affected with DMD-related conditions. This variant is not present in population databases (gnomAD no frequency). This sequence change replaces glutamic acid, which is acidic and polar, with glycine, which is neutral and non-polar, at codon 1150 of the DMD protein (p.Glu1150Gly).